The following is an entry in ClinVar:

ClinVar aggregate classification (germline): Conflicting classifications of pathogenicity. Review status: criteria provided, conflicting classifications (1 of 4 stars). 2 submissions from 2 submitters: Likely pathogenic (1); Uncertain significance (1). Last evaluated 2024-01-24.

Conditions:
Inborn genetic diseases. Identifiers: MedGen C0950123, MeSH D030342.

Submissions (2):

Labcorp Genetics (formerly Invitae), Labcorp
Classification: Likely pathogenic. Last evaluated: 2024-01-24. Review status: criteria provided, single submitter. Criteria: Invitae Variant Classification Sherloc (09022015). Collection method: clinical testing. Allele origin: germline.
Comment: This sequence change affects an acceptor splice site in intron 2 of the TBCE gene. It is expected to disrupt RNA splicing. Variants that disrupt the donor or acceptor splice site typically lead to a loss of protein function (PMID: 16199547), and loss-of-function variants in TBCE are known to be pathogenic (PMID: 27666369, 34134906, 34356170). This variant is not present in population databases (gnomAD no frequency). This variant has not been reported in the literature in individuals affected with TBCE-related conditions. ClinVar contains an entry for this variant (Variation ID: 1368854). Algorithms developed to predict the effect of sequence changes on RNA splicing suggest that this variant may disrupt the consensus splice site. In summary, the currently available evidence indicates that the variant is pathogenic, but additional data are needed to prove that conclusively. Therefore, this variant has been classified as Likely Pathogenic.

Ambry Genetics
Classification: Uncertain significance for Inborn genetic diseases. Last evaluated: 2022-06-15. Review status: criteria provided, single submitter. Criteria: Ambry Variant Classification Scheme 2023. Collection method: clinical testing. Allele origin: germline.
Comment: The c.101-2A>G intronic alteration consists of a A to G substitution 2 nucleotides before coding exon 2 in the TBCE gene. Based on insufficient or conflicting evidence, the clinical significance of this alteration remains unclear.

Literature cited by the submitters: PubMed 16199547 (cited by Labcorp Genetics (formerly Invitae), Labcorp); PubMed 27666369 (cited by Labcorp Genetics (formerly Invitae), Labcorp); PubMed 34134906 (cited by Labcorp Genetics (formerly Invitae), Labcorp); PubMed 34356170 (cited by Labcorp Genetics (formerly Invitae), Labcorp).

NM_003193.5(TBCE):c.101-2A>G

Gene: TBCE (tubulin folding cofactor E; plus strand). Cytogenetic location: 1q42.3.
Variant type: single nucleotide variant.
Coding change: c.101-2A>G on transcript NM_003193.5 (MANE Select); the canonical splice acceptor site of the intron before coding-DNA position 101, A replaced by G.
Molecular consequence: splice acceptor variant. On other transcripts: intron variant (1).
Genome position (GRCh38, 1-based): chr1:235,401,501, A>G. VCF-style: chr1-235401501-A-G. GRCh37 (hg19) VCF-style: chr1-235564816-A-G.
Other names: c.101-2A>G (NM_001079515.3, NM_001287801.2); c.-210-12932A>G (NM_001287802.2).
Identifiers: ClinVar variation 1368854 (VCV001368854.9), dbSNP rs2102857548, ClinGen allele CA344981726.